The following is an entry in ClinVar:

ClinVar aggregate classification (germline): Pathogenic/Likely pathogenic. Review status: criteria provided, multiple submitters, no conflicts (2 of 4 stars). 2 submissions from 2 submitters: Pathogenic (1); Likely pathogenic (1). Last evaluated 2024-02-15.

Conditions:
Werner syndrome (WRN). Identifiers: Orphanet 902, MedGen C0043119, MONDO:0010196, OMIM 277700.

Allele frequency attached by ClinVar (database versions not stated): gnomAD exomes below 0.00001 and 0.00001.

Submissions (2):

Fulgent Genetics
Classification: Likely pathogenic for Werner syndrome. Last evaluated: 2024-02-15. Review status: criteria provided, single submitter. Criteria: ACMG Guidelines, 2015. Collection method: clinical testing. Allele origin: germline.

Labcorp Genetics (formerly Invitae), Labcorp
Classification: Pathogenic for Werner syndrome. Last evaluated: 2024-02-14. Review status: criteria provided, single submitter. Criteria: Invitae Variant Classification Sherloc (09022015). Collection method: clinical testing. Allele origin: germline.
Comment: This sequence change creates a premature translational stop signal (p.Glu411Glyfs*5) in the WRN gene. It is expected to result in an absent or disrupted protein product. Loss-of-function variants in WRN are known to be pathogenic (PMID: 16673358). This variant is present in population databases (no rsID available, gnomAD 0.0009%). This variant has not been reported in the literature in individuals affected with WRN-related conditions. ClinVar contains an entry for this variant (Variation ID: 1458322). Algorithms developed to predict the effect of sequence changes on RNA splicing suggest that this variant may disrupt the consensus splice site. For these reasons, this variant has been classified as Pathogenic.

Literature cited by the submitters: PubMed 16673358 (cited by Labcorp Genetics (formerly Invitae), Labcorp).

NM_000553.6(WRN):c.1229dup (p.Glu411fs)

Gene: WRN (WRN RecQ like helicase; plus strand). Cytogenetic location: 8p12.
Variant type: Duplication.
Coding change: c.1229dup on transcript NM_000553.6 (MANE Select); coding-DNA position 1229, one base duplicated (A; older notation c.1229dupA).
Protein change: p.Glu411fs; shifts the reading frame from glutamic acid 411.
Molecular consequence: frameshift variant.
Genome position (GRCh38, 1-based): chr8:31,081,256, A duplicated. VCF-style (leftmost placement, unchanged base first): chr8-31081255-C-CA. GRCh37 (hg19) VCF-style: chr8-30938771-C-CA.
Other names: short protein forms E411fs.
Identifiers: ClinVar variation 1458322 (VCV001458322.7), dbSNP rs1563339062, ClinGen allele CA581428474.